The following is an entry in ClinVar:

NM_003094.4(SNRPE):c.1A>T (p.Met1Leu)

Genes: SNRPE (small nuclear ribonucleoprotein polypeptide E; plus strand), LOC112577531 (Sharpr-MPRA regulatory region 5904; plus strand). Cytogenetic location: 1q32.1.
Variant type: single nucleotide variant.
Coding change: c.1A>T on transcript NM_003094.4 (MANE Select); coding-DNA position 1, A replaced by T.
Protein change: p.Met1Leu; changes the start codon (methionine 1).
Molecular consequence: missense variant, initiator codon variant. On other transcripts: 5 prime UTR variant (1), non-coding transcript variant (1).
Genome position (GRCh38, 1-based): chr1:203,861,660, A>T. VCF-style: chr1-203861660-A-T. GRCh37 (hg19) VCF-style: chr1-203830788-A-T.
Other names: c.-68A>T (NM_001304464.2); short protein forms M1L.
Identifiers: ClinVar variation 1507008 (VCV001507008.6), dbSNP rs587776924, ClinGen allele CA344334684.
Genomic context (GRCh38, chr1:203,861,660, plus strand): 5'-TTTATTCCGGAAGTTGCTCTCAGAGGCAGCGTGCGGGTGTGCTCTTTGTGAAATTCCACC[A>T]TGGCGTACCGTGGCCAGGGTCAGAAAGTGCAGAAGGTTATGGTGCAGCCCATCGTATCCT-3'
Protein context (NP_003085.1, residues 1-11): [Met1Leu]AYRGQGQKVQ

ClinVar aggregate classification (germline): Uncertain significance (1 of 4 stars; one submission).

Submission:

Labcorp Genetics (formerly Invitae), Labcorp
Classification: Uncertain significance. Last evaluated: 2021-12-03. Review status: criteria provided, single submitter. Criteria: Invitae Variant Classification Sherloc (09022015). Collection method: clinical testing. Allele origin: germline.
Comment: This sequence change affects the initiator methionine of the SNRPE mRNA. The next in-frame methionine is located at codon 14. This variant is not present in population databases (gnomAD no frequency). Disruption of the initiator codon has been observed in individual(s) with hypotrichosis simplex (PMID: 23246290). In summary, the available evidence is currently insufficient to determine the role of this variant in disease. Therefore, it has been classified as a Variant of Uncertain Significance.

Literature cited by the submitters: PubMed 23246290.